The following is an entry in ClinVar:

NM_001042492.3(NF1):c.2294del (p.Arg765fs)

Gene: NF1 (neurofibromin 1; plus strand). Cytogenetic location: 17q11.2.
Variant type: Deletion.
Coding change: c.2294del on transcript NM_001042492.3 (MANE Select); coding-DNA position 2294, one base deleted (G; older notation c.2294delG).
Protein change: p.Arg765fs; shifts the reading frame from arginine 765.
Molecular consequence: frameshift variant.
Genome position (GRCh38, 1-based): chr17:31,227,260, G deleted. VCF-style (leftmost placement, unchanged base first): chr17-31227259-CG-C. GRCh37 (hg19) VCF-style: chr17-29554277-CG-C.
Other names: c.2294delG (NM_000267.3); c.2294delG, p.Arg765Profs (NM_000267.4); short protein forms R765fs.
Identifiers: ClinVar variation 1068536 (VCV001068536.8), dbSNP rs2151426934, ClinGen allele CA2499224053.

ClinVar aggregate classification (germline): Pathogenic/Likely pathogenic. Review status: criteria provided, multiple submitters, no conflicts (2 of 4 stars). 3 submissions from 3 submitters: Pathogenic (2); Likely pathogenic (1). Last evaluated 2026-01-05.

Conditions:
Hereditary cancer-predisposing syndrome. Also called: Tumor predisposition; Neoplastic Syndromes, Hereditary; Hereditary neoplastic syndrome; Hereditary Cancer Syndrome. Identifiers: Orphanet 140162, MedGen C0027672, MeSH D009386, MONDO:0015356.
Cardiovascular phenotype. Identifiers: MedGen CN230736.
Neurofibromatosis, type 1 (NF1). Also called: VON RECKLINGHAUSEN DISEASE; Peripheral type neurofibromatosis; NEUROFIBROMATOSIS, TYPE I, SOMATIC; Neurofibromatosis, type I. Identifiers: Orphanet 636, MedGen C0027831, MONDO:0018975, OMIM 162200. Disease mechanism: loss of function.
Juvenile myelomonocytic leukemia (JMML). Also called: LEUKEMIA, JUVENILE MYELOMONOCYTIC, SOMATIC. Identifiers: Orphanet 86834, MedGen C0349639, MONDO:0011908, OMIM 607785, HP:0012209.

Submissions (3):

Labcorp Genetics (formerly Invitae), Labcorp
Classification: Pathogenic for Neurofibromatosis, type 1. Last evaluated: 2026-01-05. Review status: criteria provided, single submitter. Criteria: Invitae Variant Classification Sherloc (09022015). Collection method: clinical testing. Allele origin: germline.
Comment: This sequence change creates a premature translational stop signal (p.Arg765Profs*26) in the NF1 gene. It is expected to result in an absent or disrupted protein product. Loss-of-function variants in NF1 are known to be pathogenic (PMID: 10712197, 23913538). This variant is not present in population databases (gnomAD no frequency). This variant has not been reported in the literature in individuals affected with NF1-related conditions. ClinVar contains an entry for this variant (Variation ID: 1068536). For these reasons, this variant has been classified as Pathogenic.

Baylor Genetics
Classification: Likely pathogenic for Juvenile myelomonocytic leukemia. Last evaluated: 2022-07-06. Review status: criteria provided, single submitter. Criteria: ACMG Guidelines, 2015. Collection method: clinical testing. Allele origin: unknown.

Ambry Genetics
Classification: Pathogenic for Cardiovascular phenotype; Hereditary cancer-predisposing syndrome. Last evaluated: 2021-01-29. Review status: criteria provided, single submitter. Criteria: Ambry Variant Classification Scheme 2023. Collection method: clinical testing. Allele origin: germline.
Comment: The c.2294delG pathogenic mutation, located in coding exon 19 of the NF1 gene, results from a deletion of one nucleotide at nucleotide position 2294, causing a translational frameshift with a predicted alternate stop codon (p.R765Pfs*26). This alteration is expected to result in loss of function by premature protein truncation or nonsense-mediated mRNA decay. As such, this alteration is interpreted as a disease-causing mutation.

Literature cited by the submitters: PubMed 10712197 (cited by Labcorp Genetics (formerly Invitae), Labcorp); PubMed 23913538 (cited by Labcorp Genetics (formerly Invitae), Labcorp).